The following is an entry in ClinVar:

NM_001048174.2(MUTYH):c.1502T>G (p.Leu501Arg)

Gene: MUTYH (mutY DNA glycosylase; minus strand). Cytogenetic location: 1p34.1.
Variant type: single nucleotide variant.
Coding change: c.1502T>G on transcript NM_001048174.2 (MANE Select); coding-DNA position 1502, T replaced by G.
Protein change: p.Leu501Arg; replaces leucine 501 with arginine.
Molecular consequence: missense variant. On other transcripts: non-coding transcript variant (7).
Genome position (GRCh38, 1-based): chr1:45,329,370, A>C on the plus strand (T>G on the coding strand, the complement: MUTYH is on the minus strand). VCF-style: chr1-45329370-A-C. GRCh37 (hg19) VCF-style: chr1-45795042-A-C.
Other names: c.1502T>G, p.Leu501Arg (NM_001048171.2, NM_001048173.2, NM_001293195.2 and 6 more transcripts); c.1505T>G, p.Leu502Arg (NM_001048172.2, NM_001407078.1, NM_001407086.1 and 1 more transcripts); c.1586T>G, p.Leu529Arg (NM_001128425.2); c.1547T>G, p.Leu516Arg (NM_001293190.2); c.1535T>G, p.Leu512Arg (NM_001293191.2, NM_001407069.1, NM_001407077.1); c.1226T>G, p.Leu409Arg (NM_001293192.2, NM_001407091.1, NM_001293196.2); c.1463T>G, p.Leu488Arg (NM_001407079.1); c.1460T>G, p.Leu487Arg (NM_001407080.1); and 5 more; short protein forms L409R, L516R, L487R, L488R, L502R, L473R, L508R, L515R.
Identifiers: ClinVar variation 4113402 (VCV004113402.1).

ClinVar aggregate classification (germline): Uncertain significance (1 of 4 stars; one submission).

Conditions:
Hereditary cancer-predisposing syndrome. Also called: Tumor predisposition; Neoplastic Syndromes, Hereditary; Hereditary neoplastic syndrome; Hereditary Cancer Syndrome. Identifiers: Orphanet 140162, MedGen C0027672, MeSH D009386, MONDO:0015356.

Submission:

Ambry Genetics
Classification: Uncertain significance for Hereditary cancer-predisposing syndrome. Last evaluated: 2025-08-27. Review status: criteria provided, single submitter. Criteria: Ambry Variant Classification Scheme 2023. Collection method: clinical testing. Allele origin: germline.
Comment: The p.L529R variant (also known as c.1586T>G), located in coding exon 16 of the MUTYH gene, results from a T to G substitution at nucleotide position 1586. The leucine at codon 529 is replaced by arginine, an amino acid with dissimilar properties. This amino acid position is conserved. In addition, this alteration is predicted to be deleterious by in silico analysis. Based on the available evidence, the clinical significance of this variant remains unclear.